The following is an entry in ClinVar:

NM_001987.5(ETV6):c.33+1G>A

Gene: ETV6 (ETS variant transcription factor 6; plus strand). Cytogenetic location: 12p13.2.
Variant type: single nucleotide variant.
Coding change: c.33+1G>A on transcript NM_001987.5 (MANE Select); the canonical splice donor site of the intron after coding-DNA position 33, G replaced by A.
Molecular consequence: splice donor variant.
Genome position (GRCh38, 1-based): chr12:11,650,161, G>A. VCF-style: chr12-11650161-G-A. GRCh37 (hg19) VCF-style: chr12-11803095-G-A.
Other names: NC_000012.11:g.11803095G>A; c.-120+1G>A (NM_001413914.1); c.33+1G>A (NM_001413917.1, NM_001413913.1, NM_001413916.1 and 1 more transcripts); c.-102+1G>A (NM_001413915.1).
Identifiers: ClinVar variation 2574037 (VCV002574037.3), dbSNP rs2497445719, ClinGen allele CA384041960.

ClinVar aggregate classification (germline): Likely pathogenic (0 of 4 stars; one submission).

Conditions:
Malignant lymphoma, large B-cell, diffuse. Also called: Diffuse large B cell lymphoma. Identifiers: Orphanet 544, MedGen C0079744, MeSH D016403, MONDO:0018905.

Submissions (2):

Wasik Lab, Fox Chase Cancer Center
Classification: Likely pathogenic for Malignant lymphoma, large B-cell, diffuse. Last evaluated: 2023-07-25. Review status: no assertion criteria provided. Collection method: clinical testing. Allele origin: somatic. Inheritance: Somatic mutation. Affected: yes. Observed: 1 heterozygote.
Comment: Despite an initial good clinical response to BTK inhibitor ibrutinib, anti-CD20 antibody rituxan, alkylating agent bendamustine, and hematopoietic stem-cell transplant, the lymphoma relapsed, accompanied by morphologic and molecular evidence of disease progression. ETV6 is a transcription factor with a critical role in hematopoiesis and embryonic development, frequently mutated in hematologic malignancies. ETV6 c.33+1G>A was present at initial presentation, but was not detected in relapsed tumor. This variant changes a consensus splice donor site and is expected to affect protein structure. Although alterations in ETV6 are one of the hallmark features of the MCD/C5 group, its oncogenic role in DLBCL remains undefined (Marino et al. 2022).

Dr. Peter K. Rogan Lab, Western University
No classification provided (evidence only). Condition: Malignant lymphoma, large B-cell, diffuse. Review status: no classification provided. Collection method: in vitro. Allele origin: not applicable. Functional consequence: retained intron. Not counted in ClinVar's aggregate classification.

Literature cited by the submitters: PubMed 35053500 (cited by Wasik Lab, Fox Chase Cancer Center).